The following is an entry in ClinVar:

ClinVar aggregate classification (germline): Uncertain significance (1 of 4 stars; one submission).

Allele frequency attached by ClinVar (database versions not stated): gnomAD exomes 0.00001; ExAC 0.00002; gnomAD 0.00005; TOPMed 0.00006.
gnomAD v4.1: 25 of 1,613,676 alleles (0.0015%); highest among the groups gnomAD compares: African/African-American, 0.011%; no homozygotes.

Submission:

Labcorp Genetics (formerly Invitae), Labcorp
Classification: Uncertain significance. Last evaluated: 2025-01-31. Review status: criteria provided, single submitter. Criteria: Invitae Variant Classification Sherloc (09022015). Collection method: clinical testing. Allele origin: germline.
Comment: This sequence change replaces valine, which is neutral and non-polar, with alanine, which is neutral and non-polar, at codon 198 of the RHO protein (p.Val198Ala). This variant is present in population databases (no rsID available, gnomAD 0.004%). This variant has not been reported in the literature in individuals affected with RHO-related conditions. ClinVar contains an entry for this variant (Variation ID: 1468385). Invitae Evidence Modeling of protein sequence and biophysical properties (such as structural, functional, and spatial information, amino acid conservation, physicochemical variation, residue mobility, and thermodynamic stability) indicates that this missense variant is not expected to disrupt RHO protein function with a negative predictive value of 95%. In summary, the available evidence is currently insufficient to determine the role of this variant in disease. Therefore, it has been classified as a Variant of Uncertain Significance.

NM_000539.3(RHO):c.593T>C (p.Val198Ala)

Gene: RHO (rhodopsin; plus strand). Cytogenetic location: 3q22.1.
Variant type: single nucleotide variant.
Coding change: c.593T>C on transcript NM_000539.3 (MANE Select); coding-DNA position 593, T replaced by C.
Protein change: p.Val198Ala; replaces valine 198 with alanine.
Molecular consequence: missense variant.
Genome position (GRCh38, 1-based): chr3:129,532,313, T>C. VCF-style: chr3-129532313-T-C. GRCh37 (hg19) VCF-style: chr3-129251156-T-C.
Other names: short protein forms V198A.
Identifiers: ClinVar variation 1468385 (VCV001468385.8), dbSNP rs1374343616, ClinGen allele CA2607215.